The following is an entry in ClinVar:

ClinVar aggregate classification (germline): Uncertain significance. Review status: criteria provided, multiple submitters, no conflicts (2 of 4 stars). 2 submissions from 2 submitters: Uncertain significance (2). Last evaluated 2024-08-14.

Conditions:
Hereditary cancer-predisposing syndrome. Also called: Tumor predisposition; Neoplastic Syndromes, Hereditary; Hereditary Cancer Syndrome; Hereditary neoplastic syndrome. Identifiers: Orphanet 140162, MedGen C0027672, MeSH D009386, MONDO:0015356.
Ataxia-telangiectasia syndrome (AT). Also called: Cerebello-oculocutaneous telangiectasia; Immunodeficiency with ataxia telangiectasia; ATAXIA-TELANGIECTASIA, COMPLEMENTATION GROUP A; Ataxia-telangiectasia, complementation group D; AT, COMPLEMENTATION GROUP C; ATAXIA-TELANGIECTASIA, FRESNO VARIANT. Identifiers: Orphanet 100, MedGen C0004135, MONDO:0008840, OMIM 208900.

Submissions (2):

Labcorp Genetics (formerly Invitae), Labcorp
Classification: Uncertain significance for Ataxia-telangiectasia syndrome. Last evaluated: 2024-08-14. Review status: criteria provided, single submitter. Criteria: Invitae Variant Classification Sherloc (09022015). Collection method: clinical testing. Allele origin: germline.
Comment: This sequence change replaces histidine, which is basic and polar, with arginine, which is basic and polar, at codon 1258 of the ATM protein (p.His1258Arg). This variant is not present in population databases (gnomAD no frequency). This variant has not been reported in the literature in individuals affected with ATM-related conditions. ClinVar contains an entry for this variant (Variation ID: 478922). An algorithm developed to predict the effect of missense changes on protein structure and function (PolyPhen-2) suggests that this variant is likely to be tolerated. In summary, the available evidence is currently insufficient to determine the role of this variant in disease. Therefore, it has been classified as a Variant of Uncertain Significance.

Ambry Genetics
Classification: Uncertain significance for Hereditary cancer-predisposing syndrome. Last evaluated: 2022-01-24. Review status: criteria provided, single submitter. Criteria: Ambry Variant Classification Scheme 2023. Collection method: clinical testing. Allele origin: germline.
Comment: The p.H1258R variant (also known as c.3773A>G), located in coding exon 25 of the ATM gene, results from an A to G substitution at nucleotide position 3773. The histidine at codon 1258 is replaced by arginine, an amino acid with highly similar properties. This amino acid position is well conserved in available vertebrate species. In addition, this alteration is predicted to be tolerated by in silico analysis. Since supporting evidence is limited at this time, the clinical significance of this alteration remains unclear.

NM_000051.4(ATM):c.3773A>G (p.His1258Arg)

Gene: ATM (ATM serine/threonine kinase; plus strand). Cytogenetic location: 11q22.3.
Variant type: single nucleotide variant.
Coding change: c.3773A>G on transcript NM_000051.4 (MANE Select); coding-DNA position 3773, A replaced by G.
Protein change: p.His1258Arg; replaces histidine 1258 with arginine.
Molecular consequence: missense variant.
Genome position (GRCh38, 1-based): chr11:108,284,253, A>G. VCF-style: chr11-108284253-A-G. GRCh37 (hg19) VCF-style: chr11-108154980-A-G.
Other names: c.3773A>G, p.His1258Arg (NM_001351834.2); short protein forms H1258R.
Identifiers: ClinVar variation 478922 (VCV000478922.14), dbSNP rs1555093334, ClinGen allele CA382524442.